The following continues an entry in ClinVar:

NM_001042492.3(NF1):c.910C>T (p.Arg304Ter)

Gene: NF1. ClinVar aggregate classification (germline): Pathogenic. Pathogenic (31).

Submissions 14 to 34 of 34:

Swedish National ChiCaP Initative, Genomic Medicine Sweden
Classification: Pathogenic for NF1-related disorder. Last evaluated: 2024-05-01. Review status: criteria provided, single submitter. Criteria: ACMG Guidelines, 2015. Collection method: clinical testing. Allele origin: germline. Affected: yes.

GeneDx
Classification: Pathogenic. Last evaluated: 2024-03-11. Review status: criteria provided, single submitter. Criteria: GeneDx Variant Classification Process June 2021. Collection method: clinical testing. Allele origin: germline. Affected: yes.
Comment: Nonsense variant predicted to result in protein truncation or nonsense mediated decay in a gene for which loss of function is a known mechanism of disease; This variant is associated with the following publications: (PMID: 26509978, 27838393, 29695767, 16786508, 34418705, 29922827, 34427956, 25525159, 17295913, 12057013, 12095621, 23668869, 18484666, 23781326, 10712197, 28247034, 29680440, 23913538, 30014477, 30290804, 12112660, 9463322, 10862084, 10874316, 31776437, 33877690, 34308104)

PreventionGenetics, part of Exact Sciences
Classification: Pathogenic for NF1-related condition. Last evaluated: 2023-02-15. Review status: criteria provided, single submitter. Criteria: ACMG Guidelines, 2015. Collection method: clinical testing. Allele origin: germline.
Comment: The NF1 c.910C>T variant is predicted to result in premature protein termination (p.Arg304*). This variant has been reported in multiple individuals with neurofibromatosis type 1 (see for example - Upadhyaya et al. 2008. PubMed ID: 18484666; Palma Milla et al. 2018. PubMed ID: 30014477). This variant is reported in 0.00088% of alleles in individuals of European (Non-Finnish) descent in gnomAD. Nonsense variants in NF1 are expected to be pathogenic. This variant is interpreted as pathogenic.

Laboratorio de Genetica e Diagnostico Molecular, Hospital Israelita Albert Einstein
Classification: Pathogenic for Neurofibromatosis, type 1. Last evaluated: 2022-06-03. Review status: criteria provided, single submitter. Criteria: ACMG Guidelines, 2015. Collection method: clinical testing. Allele origin: germline. Affected: yes. Observed: 1 variant allele.
Comment: ACMG classification criteria: PVS1 very strong, PS4 strong, PM2 moderated, PP4

Genome-Nilou Lab
Classification: Pathogenic for Neurofibromatosis, type 1. Last evaluated: 2022-03-15. Review status: criteria provided, single submitter. Criteria: ACMG Guidelines, 2015. Collection method: clinical testing. Allele origin: germline. Affected: no.

Fulgent Genetics
Classification: Pathogenic for Neurofibromatosis, type 1; Neurofibromatosis, familial spinal; Café-au-lait macules with pulmonary stenosis; Neurofibromatosis-Noonan syndrome; Juvenile myelomonocytic leukemia. Last evaluated: 2022-03-12. Review status: criteria provided, single submitter. Criteria: ACMG Guidelines, 2015. Collection method: clinical testing. Allele origin: unknown.

Dasa
Classification: Pathogenic for Neurofibromatosis, type 1. Last evaluated: 2022-01-05. Review status: criteria provided, single submitter. Criteria: ACMG Guidelines, 2015. Collection method: clinical testing. Allele origin: germline. Affected: yes. Observed: 1 variant allele.
Comment: The c.910C>T;p.(Arg304*) variant creates a premature translational stop signal in the NF1 gene. It is expected to result in an absent or disrupted protein product - PVS1. This sequence change has been observed in affected individual(s) and ClinVar contains an entry for this variant (ClinVar ID: 187722; PMID: 23668869; 16786508; 23913538; 10862084; 9463322) - PS4. This variant is not present in population databases (rs786203950, gnomAD; ABraOM no frequency) - PM2. In summary, the currently available evidence indicates that the variant is pathogenic.

Genome Diagnostics Laboratory, The Hospital for Sick Children
Classification: Pathogenic for Neurofibromatosis, type 1. Last evaluated: 2020-10-26. Review status: criteria provided, single submitter. Criteria: ACMG Guidelines, 2015. Collection method: clinical testing. Allele origin: germline. Affected: yes.

Institute of Medical Genetics and Applied Genomics, University Hospital Tübingen
Classification: Pathogenic. Last evaluated: 2020-10-23. Review status: criteria provided, single submitter. Criteria: ACMG Guidelines, 2015. Collection method: clinical testing. Allele origin: germline. Inheritance: Autosomal dominant inheritance. Affected: yes.

Baylor Genetics
Classification: Pathogenic for Juvenile myelomonocytic leukemia. Last evaluated: 2020-02-12. Review status: criteria provided, single submitter. Criteria: ACMG Guidelines, 2015. Collection method: clinical testing. Allele origin: unknown. Affected: yes. Study: CSER-TexasKidsCanSeq.
Comment: This variant was determined to be pathogenic according to ACMG Guidelines, 2015 [PMID:25741868]. This variant has been previously reported as disease-causing [PMID 9463322, 26509978, 10874316, 25525159]

Medical Genetics, University of Parma
Classification: Pathogenic for Neurofibromatosis, type 1. Last evaluated: 2019-12-20. Review status: criteria provided, single submitter. Criteria: ACMG Guidelines, 2015. Collection method: clinical testing. Allele origin: germline. Affected: yes.

ARUP Laboratories, Molecular Genetics and Genomics, ARUP Laboratories
Classification: Pathogenic. Last evaluated: 2018-08-15. Review status: criteria provided, single submitter. Criteria: ARUP Molecular Germline Variant Investigation Process. Collection method: clinical testing. Allele origin: germline.
Comment: The NF1 c.910C>T; p.Arg304Ter variant (rs786203950) has been described in several individuals with neurofibromatosis type 1 (NF1) (see link below, Ko 2013, Upadhyaya 2008). It is reported as pathogenic in ClinVar (Variation ID: 187722) and observed on only 1 allele in the Genome Aggregation Database. This variant induces an early termination codon and is predicted to result in a truncated protein or mRNA subject to nonsense-mediated decay. Based on available information, this variant is considered pathogenic. References: Link to NF1 LOVD Database for p.Arg304Ter: Ko JM et al. (2013) Mutation spectrum of NF1 and clinical characteristics in 78 Korean patients with neurofibromatosis type 1. Pediatr Neurol. 48(6):447-53. Upadhyaya M et al. (2008) Germline and somatic NF1 gene mutations in plexiform neurofibromas. Hum Mutat. 29(8):E103-11.

Center of Genomic medicine, Geneva, University Hospital of Geneva
Classification: Pathogenic for Neurofibromatosis, type 1. Last evaluated: 2017-06-06. Review status: criteria provided, single submitter. Criteria: ACMG Guidelines, 2015. Collection method: clinical testing. Allele origin: germline. Affected: yes.

Center for Human Genetics, Inc
Classification: Pathogenic for Neurofibromatosis, type 1. Last evaluated: 2016-11-01. Review status: criteria provided, single submitter. Criteria: ACMG Guidelines, 2015. Collection method: clinical testing. Allele origin: germline. Affected: yes.

Centre for Mendelian Genomics, University Medical Centre Ljubljana
Classification: Pathogenic for Neurofibromatosis, type 1. Last evaluated: 2016-01-01. Review status: criteria provided, single submitter. Criteria: ACMG Guidelines, 2015. Collection method: clinical testing. Allele origin: unknown. Affected: yes.
Comment: This variant was classified as: Pathogenic. The following ACMG criteria were applied in classifying this variant: PVS1,PS3.

Ambry Genetics
Classification: Pathogenic for Hereditary cancer-predisposing syndrome. Last evaluated: 2014-12-26. Review status: criteria provided, single submitter. Criteria: Ambry Autosomal Dominant and X-Linked criteria (10/2015). Collection method: clinical testing. Allele origin: germline. Observed: 1 variant allele.
Comment: The p.R304* pathogenic mutation (also known as c.910C>T), located in coding exon 9 of the NF1 gene, results from a C to T substitution at nucleotide position 910. This changes the amino acid from an arginine to a stop codon within coding exon 9. This mutation has been observed in multiple individuals meeting clinical diagnostic criteria for NF1 (De Luca, A et al. Hum Mutat. 2004 Jun;23(6):629; Fahsold, R et al. Am J Hum Genet. 2000 Mar;66(3):790-818; Upadhyaya, M et al. Hum Mutat. 2008 Aug;29(8):E103-11; Ko, JM et al. Pediatr Neurol. 2013 Jun;48(6):447-53). In addition to the clinical data presented in the literature, since premature stop codons are typically deleterious in nature, this alteration is interpreted as a disease-causing mutation (ACMG Recommendations for Standards for Interpretation and Reporting of Sequence Variations. Revision 2007. Genet Med. 2008;10:294).

Clinical Genetics Service, Universitary Hospital 12 de Octubre
Classification: Pathogenic for Neurofibromatosis, type 1. Review status: criteria provided, single submitter. Criteria: ACMG Guidelines, 2015. Collection method: clinical testing. Allele origin: germline. Affected: yes.

Juno Genomics, Hangzhou Juno Genomics, Inc
Classification: Pathogenic for Neurofibromatosis, type 1; Juvenile myelomonocytic leukemia; Neurofibromatosis, familial spinal; Neurofibromatosis-Noonan syndrome; Café-au-lait macules with pulmonary stenosis. Review status: criteria provided, single submitter. Criteria: ACMG Guidelines, 2015. Collection method: clinical testing. Allele origin: germline. Affected: yes.
Comment: Absent from controls (or at extremely low frequency if recessive) in Genome Aggregation Database, Exome Sequencing Project, 1000 Genomes Project, or Exome Aggregation Consortium.;Null variant in a gene where loss of function (LOF) is a known mechanism of disease.;The prevalence of the variant in affected individuals is significantly increased compared to the prevalence in controls.;Patient's phenotype or family history is highly specific for a disease with a single genetic etiology.

Coyote Medical Laboratory (Beijing), Coyote
Classification: Pathogenic for Neurofibromatosis, type 1. Last evaluated: 2017-10-29. Review status: no assertion criteria provided. Collection method: clinical testing. Allele origin: inherited. Inheritance: Autosomal dominant inheritance. Affected: yes. Observed: 1 variant allele. Not counted in ClinVar's aggregate classification.

Clinical Genetics DNA and cytogenetics Diagnostics Lab, Erasmus MC, Erasmus Medical Center
Classification: Pathogenic. Review status: no assertion criteria provided. Collection method: clinical testing. Allele origin: germline. Affected: yes. Study: VKGL Data-share Consensus. Not counted in ClinVar's aggregate classification.

Joint Genome Diagnostic Labs from Nijmegen and Maastricht, Radboudumc and MUMC+
Classification: Pathogenic. Review status: no assertion criteria provided. Collection method: clinical testing. Allele origin: germline. Affected: yes. Study: VKGL Data-share Consensus. Not counted in ClinVar's aggregate classification.

Literature cited by the submitters: PubMed 10712197 (cited by 4 submitters); PubMed 23913538 (cited by 5 submitters); PubMed 10862084 (cited by 5 submitters); PubMed 16786508 (cited by 3 submitters); PubMed 23668869 (cited by 6 submitters); PubMed 9463322 (cited by 5 submitters); PubMed 10874316 (cited by 3 submitters); PubMed 18484666 (cited by 4 submitters); PubMed 20301288 (cited by Victorian Clinical Genetics Services, Murdoch Childrens Research Institute); PubMed 17295913 (cited by 3 submitters); PubMed 26509978 (cited by 4 submitters); PubMed 30014477 (cited by Mayo Clinic Laboratories, Mayo Clinic); PubMed 30290804 (cited by Mayo Clinic Laboratories, Mayo Clinic); PubMed 33877690 (cited by Mayo Clinic Laboratories, Mayo Clinic); PubMed 34427956 (cited by Mayo Clinic Laboratories, Mayo Clinic); PubMed 14722917 (cited by Athena Diagnostics and Quest Diagnostics Nichols Institute San Juan Capistrano); PubMed 20601955 (cited by Athena Diagnostics and Quest Diagnostics Nichols Institute San Juan Capistrano); PubMed 22108604 (cited by Athena Diagnostics and Quest Diagnostics Nichols Institute San Juan Capistrano); PubMed 23781326 (cited by Athena Diagnostics and Quest Diagnostics Nichols Institute San Juan Capistrano); PubMed 12112660 (cited by Athena Diagnostics and Quest Diagnostics Nichols Institute San Juan Capistrano); PubMed 19935827 (cited by Athena Diagnostics and Quest Diagnostics Nichols Institute San Juan Capistrano); PubMed 12807981 (cited by Athena Diagnostics and Quest Diagnostics Nichols Institute San Juan Capistrano); PubMed 24789688 (cited by Athena Diagnostics and Quest Diagnostics Nichols Institute San Juan Capistrano); PubMed 11431704 (cited by Athena Diagnostics and Quest Diagnostics Nichols Institute San Juan Capistrano); PubMed 12095621 (cited by Athena Diagnostics and Quest Diagnostics Nichols Institute San Juan Capistrano); PubMed 25525159 (cited by Baylor Genetics).